The following is an entry in ClinVar:

ClinVar aggregate classification (germline): Likely benign (1 of 4 stars; one submission).

Allele frequency attached by ClinVar (database versions not stated): TOPMed 0.00002; gnomAD 0.00003; gnomAD exomes 0.00001.
gnomAD v4.1: 13 of 1,187,649 alleles (0.0011%); highest among the groups gnomAD compares: East Asian, 0.012%; no homozygotes.

Submission:

CeGaT Center for Human Genetics Tuebingen
Classification: Likely benign. Last evaluated: 2022-05-01. Review status: criteria provided, single submitter. Criteria: CeGaT Center For Human Genetics Tuebingen Variant Classification Criteria Version 2. Collection method: clinical testing. Allele origin: germline. Affected: yes. Observed: 1 variant allele.
Comment: EFHC2: BP4, BP7

NM_025184.4(EFHC2):c.1539G>A (p.Thr513=)

Gene: EFHC2 (EF-hand domain containing 2; minus strand). Cytogenetic location: Xp11.3.
Variant type: single nucleotide variant.
Coding change: c.1539G>A on transcript NM_025184.4 (MANE Select); coding-DNA position 1539, G replaced by A.
Protein change: p.Thr513=; no amino-acid change (threonine 513 retained).
Molecular consequence: synonymous variant.
Genome position (GRCh38, 1-based): chrX:44,232,562, C>T on the plus strand (G>A on the coding strand, the complement: EFHC2 is on the minus strand). VCF-style: chrX-44232562-C-T. GRCh37 (hg19) VCF-style: chrX-44091808-C-T.
Identifiers: ClinVar variation 2660363 (VCV002660363.24), dbSNP rs761348844, ClinGen allele CA10391586.
Genomic context (GRCh38, chrX:44,232,562, plus strand): 5'-GTAGTTTAAGGTATACTCATCAGCATTGAGCAAACGAAATAGGTAACCATTCACATTCAC[C>T]GTGACTCCAATGTACAGCTCCTCGGCCTTGATATATTCAGATAGTTCACTTTTAAAGACT-3'
Protein context (NP_079460.2, residues 503-523): IKAEELYIGV[Thr513=]VNVNGYLFRL